The following is an entry in ClinVar:

ClinVar aggregate classification (germline): Uncertain significance (1 of 4 stars; one submission).

Conditions:
Familial thoracic aortic aneurysm and aortic dissection (TAAD). Also called: Thoracic aortic aneurysms and dissections. Identifiers: Orphanet 91387, MedGen C4707243, MONDO:0019625.

Submission:

Ambry Genetics
Classification: Uncertain significance for Familial thoracic aortic aneurysm and aortic dissection. Last evaluated: 2024-08-26. Review status: criteria provided, single submitter. Criteria: Ambry Variant Classification Scheme 2023. Collection method: clinical testing. Allele origin: germline.
Comment: The p.S2530A variant (also known as c.7588T>G), located in coding exon 61 of the FBN1 gene, results from a T to G substitution at nucleotide position 7588. The serine at codon 2530 is replaced by alanine, an amino acid with similar properties. This amino acid position is not well conserved in available vertebrate species. In addition, this alteration is predicted to be tolerated by in silico analysis. Based on the available evidence, the clinical significance of this variant remains unclear.

NM_000138.5(FBN1):c.7588T>G (p.Ser2530Ala)

Gene: FBN1 (fibrillin 1; minus strand). Cytogenetic location: 15q21.1.
Variant type: single nucleotide variant.
Coding change: c.7588T>G on transcript NM_000138.5 (MANE Select); coding-DNA position 7588, T replaced by G.
Protein change: p.Ser2530Ala; replaces serine 2530 with alanine.
Molecular consequence: missense variant.
Genome position (GRCh38, 1-based): chr15:48,421,669, A>C on the plus strand (T>G on the coding strand, the complement: FBN1 is on the minus strand). VCF-style: chr15-48421669-A-C. GRCh37 (hg19) VCF-style: chr15-48713866-A-C.
Other names: c.7588T>G, p.Ser2530Ala (NM_001406716.1); short protein forms S2530A.
Identifiers: ClinVar variation 3513534 (VCV003513534.1).